The following is an entry in ClinVar:

ClinVar aggregate classification (germline): Uncertain significance. Review status: criteria provided, multiple submitters, no conflicts (2 of 4 stars). 4 submissions from 4 submitters: Uncertain significance (4). Last evaluated 2026-02-11.

Conditions:
Neuroblastoma, susceptibility to, 1. Identifiers: MedGen C2749485, MONDO:0009741, OMIM 256700.
Neuroblastoma (NB). Identifiers: Orphanet 635, MedGen C0027819, MeSH D009447, MONDO:0005072, HP:0003006.
Pheochromocytoma. Also called: MAX-Related Hereditary Paraganglioma-Pheochromocytoma Syndrome. Identifiers: Orphanet 29072, MedGen C0031511, MONDO:0008233, OMIM 171300, HP:0002666.
Charcot-Marie-Tooth disease type 2A1. Also called: HEREDITARY MOTOR AND SENSORY NEUROPATHY IIA1; CHARCOT-MARIE-TOOTH DISEASE, AXONAL, TYPE 2A1; CHARCOT-MARIE-TOOTH DISEASE, AXONAL, AUTOSOMAL DOMINANT, TYPE 2A1; CHARCOT-MARIE-TOOTH DISEASE, NEURONAL, TYPE 2A1; CHARCOT-MARIE-TOOTH NEUROPATHY, TYPE 2A1. Identifiers: Orphanet 99946, MedGen C1861678, MONDO:0007308, OMIM 118210.
Charcot-Marie-Tooth disease type 2. Also called: Charcot-Marie-Tooth type 2. Identifiers: Orphanet 64746, MedGen C0270914, MONDO:0018993.

Allele frequency attached by ClinVar (database versions not stated): ExAC 0.00001; gnomAD 0.00003; ESP Exome Variant Server 0.00008; gnomAD exomes 0.00001 and 0.00002; TOPMed 0.00003.
gnomAD v4.1: 27 of 1,613,756 alleles (0.0017%); highest among the groups gnomAD compares: Non-Finnish European, 0.0023%; no homozygotes.

Submissions (4):

St. Jude Molecular Pathology, St. Jude Children's Research Hospital
Classification: Uncertain significance for Neuroblastoma, susceptibility to, 1. Last evaluated: 2026-02-11. Review status: criteria provided, single submitter. Criteria: St. Jude Assertion Criteria 2020. Collection method: clinical testing. Allele origin: germline.
Comment: The KIF1B c.1567A>G p.(Ile523Val) missense change has a maximum subpopulation frequency of 0.0018% in gnomAD v2.1.1. The in silico tool REVEL is inconclusive about a pathogenic or benign effect of this variant on protein function, and to our knowledge functional studies have not been performed. To our knowledge, this variant has not been reported in the literature in individuals with pheochromocytoma or neuroblastoma. In summary, the evidence currently available is insufficient to determine the clinical significance of this variant. It has therefore been classified as of uncertain significance.

Ambry Genetics
Classification: Uncertain significance. Last evaluated: 2025-03-27. Review status: criteria provided, single submitter. Criteria: Ambry Variant Classification Scheme 2023. Collection method: clinical testing. Allele origin: germline.
Comment: The p.I523V variant (also known as c.1567A>G), located in coding exon 16 of the KIF1B gene, results from an A to G substitution at nucleotide position 1567. The isoleucine at codon 523 is replaced by valine, an amino acid with highly similar properties. This amino acid position is highly conserved in available vertebrate species. In addition, the in silico prediction for this alteration is inconclusive. The evidence for this gene-disease relationship is limited; therefore, the clinical significance of this alteration is unclear.

Labcorp Genetics (formerly Invitae), Labcorp
Classification: Uncertain significance for Charcot-Marie-Tooth disease type 2. Last evaluated: 2025-01-14. Review status: criteria provided, single submitter. Criteria: Invitae Variant Classification Sherloc (09022015). Collection method: clinical testing. Allele origin: germline.
Comment: This sequence change replaces isoleucine, which is neutral and non-polar, with valine, which is neutral and non-polar, at codon 523 of the KIF1B protein (p.Ile523Val). This variant is present in population databases (rs374848403, gnomAD 0.002%). This variant has not been reported in the literature in individuals affected with KIF1B-related conditions. ClinVar contains an entry for this variant (Variation ID: 408309). Invitae Evidence Modeling of protein sequence and biophysical properties (such as structural, functional, and spatial information, amino acid conservation, physicochemical variation, residue mobility, and thermodynamic stability) indicates that this missense variant is not expected to disrupt KIF1B protein function with a negative predictive value of 80%. In summary, the available evidence is currently insufficient to determine the role of this variant in disease. Therefore, it has been classified as a Variant of Uncertain Significance.

Fulgent Genetics
Classification: Uncertain significance for Charcot-Marie-Tooth disease type 2A1; Pheochromocytoma; Neuroblastoma, susceptibility to, 1. Last evaluated: 2018-10-31. Review status: criteria provided, single submitter. Criteria: ACMG Guidelines, 2015. Collection method: clinical testing. Allele origin: unknown.

NM_001365951.3(KIF1B):c.1705A>G (p.Ile569Val)

Gene: KIF1B (kinesin family member 1B; plus strand). Cytogenetic location: 1p36.22.
Variant type: single nucleotide variant.
Coding change: c.1705A>G on transcript NM_001365951.3 (MANE Select); coding-DNA position 1705, A replaced by G.
Protein change: p.Ile569Val; replaces isoleucine 569 with valine.
Molecular consequence: missense variant.
Genome position (GRCh38, 1-based): chr1:10,295,694, A>G. VCF-style: chr1-10295694-A-G. GRCh37 (hg19) VCF-style: chr1-10355752-A-G.
Other names: c.1705A>G, p.Ile569Val (NM_001365952.1); c.1567A>G, p.Ile523Val (NM_001365953.1, NM_015074.3, NM_183416.4); short protein forms I523V, I569V.
Identifiers: ClinVar variation 408309 (VCV000408309.12), dbSNP rs374848403, ClinGen allele CA581057.